The following is an entry in ClinVar:

ClinVar aggregate classification (germline): Benign (1 of 4 stars; one submission).

Allele frequency attached by ClinVar (database versions not stated): gnomAD exomes 0.88377; 1000 Genomes Project 30x 0.92723; 1000 Genomes Project 0.92851; TOPMed 0.94068.
gnomAD v4.1: 143,199 of 152,946 alleles (94%); highest among the groups gnomAD compares: African/African-American, 98%; 67,141 homozygotes.

Submission:

GeneDx
Classification: Benign. Last evaluated: 2018-06-18. Review status: criteria provided, single submitter. Criteria: GeneDx Variant Classification (06012015). Collection method: clinical testing. Allele origin: germline. Affected: yes.
Comment: This variant is considered likely benign or benign based on one or more of the following criteria: it is a conservative change, it occurs at a poorly conserved position in the protein, it is predicted to be benign by multiple in silico algorithms, and/or has population frequency not consistent with disease.

NM_004519.4(KCNQ3):c.-556T>G

Gene: KCNQ3 (potassium voltage-gated channel subfamily Q member 3; minus strand). Cytogenetic location: 8q24.22.
Variant type: single nucleotide variant.
Coding change: c.-556T>G on transcript NM_004519.4 (MANE Select); 556 bases upstream of the start codon, T replaced by G.
Molecular consequence: 5 prime UTR variant.
Genome position (GRCh38, 1-based): chr8:132,481,088, A>C on the plus strand (T>G on the coding strand, the complement: KCNQ3 is on the minus strand). VCF-style: chr8-132481088-A-C. GRCh37 (hg19) VCF-style: chr8-133493335-A-C.
Identifiers: ClinVar variation 683731 (VCV000683731.1), dbSNP rs2597367, ClinGen allele CA16349648.